The following is an entry in ClinVar:

ClinVar aggregate classification (germline): Likely benign. Review status: criteria provided, multiple submitters, no conflicts (2 of 4 stars). 2 submissions from 2 submitters: Likely benign (2). Last evaluated 2023-01-01.

Conditions:
Cardiovascular phenotype. Identifiers: MedGen CN230736.

Submissions (2):

CeGaT Center for Human Genetics Tuebingen
Classification: Likely benign. Last evaluated: 2023-01-01. Review status: criteria provided, single submitter. Criteria: CeGaT Center For Human Genetics Tuebingen Variant Classification Criteria Version 2. Collection method: clinical testing. Allele origin: germline. Affected: yes. Observed: 1 variant allele.
Comment: LAMA4: PM2:Supporting, BP4, BP7

Ambry Genetics
Classification: Likely benign for Cardiovascular phenotype. Last evaluated: 2020-09-06. Review status: criteria provided, single submitter. Criteria: Ambry Variant Classification Scheme 2023. Collection method: clinical testing. Allele origin: germline.

NM_001105206.3(LAMA4):c.81G>C (p.Gly27=)

Genes: LAMA4 (laminin subunit alpha 4; minus strand), LAMA4-AS1 (LAMA4 antisense RNA 1; plus strand). Cytogenetic location: 6q21.
Variant type: single nucleotide variant.
Coding change: c.81G>C on transcript NM_001105206.3 (MANE Select); coding-DNA position 81, G replaced by C.
Protein change: p.Gly27=; no amino-acid change (glycine 27 retained).
Molecular consequence: synonymous variant.
Genome position (GRCh38, 1-based): chr6:112,254,070, C>G on the plus strand (G>C on the coding strand, the complement: LAMA4 is on the minus strand). VCF-style: chr6-112254070-C-G. GRCh37 (hg19) VCF-style: chr6-112575272-C-G.
Other names: c.81G>C, p.Gly27= (NM_001105207.3, NM_001105208.3, NM_001105209.3 and 1 more transcripts).
Identifiers: ClinVar variation 1762422 (VCV001762422.26), dbSNP rs2482137855, ClinGen allele CA451907782.
Genomic context (GRCh38, chr6:112,254,070, plus strand): 5'-CGGGTCTTGCCTGCCAACCGCTGAGCTCCCTTCAATGTCAAAAGGAAAAGCGTTGTCGTC[C>G]CCGGACGCGGCGCGGGAGCAGGCAGCGCTCCAGAGGAGCCACAGAGGCAGAACCGAGCGC-3'
Protein context (NP_001098676.2, residues 17-37): WSAACSRAAS[Gly27=]DDNAFPFDIE